The following is an entry in ClinVar:

ClinVar aggregate classification (germline): Likely benign (1 of 4 stars; one submission).

Submission:

CeGaT Center for Human Genetics Tuebingen
Classification: Likely benign. Last evaluated: 2025-10-01. Review status: criteria provided, single submitter. Criteria: CeGaT Center For Human Genetics Tuebingen Variant Classification Criteria Version 2. Collection method: clinical testing. Allele origin: germline. Affected: yes. Observed: 1 variant allele.
Comment: PAPSS2: BS2

NM_001015880.2(PAPSS2):c.381+24_381+25insAAAAAAAAAAAAAAAAAAAAAAAAAAAAAAA

Gene: PAPSS2 (3'-phosphoadenosine 5'-phosphosulfate synthase 2; plus strand). Cytogenetic location: 10q23.31.
Variant type: Insertion.
Coding change: c.381+24_381+25insAAAAAAAAAAAAAAAAAAAAAAAAAAAAAAA on transcript NM_001015880.2 (MANE Select); bases 24 to 25 of the intron after coding-DNA position 381, AAAAAAAAAAAAAAAAAAAAAAAAAAAAAAA inserted.
Molecular consequence: intron variant.
Genome position: GRCh38: chr10:87,713,334-87,713,335. GRCh37 (hg19): chr10:89,473,091-89,473,092.
Other names: c.381+24_381+25insAAAAAAAAAAAAAAAAAAAAAAAAAAAAAAA (NM_004670.4).
Identifiers: ClinVar variation 4534226 (VCV004534226.6).